The following is an entry in ClinVar:

NM_004104.5(FASN):c.5429T>C (p.Val1810Ala)

Gene: FASN (fatty acid synthase; minus strand). Cytogenetic location: 17q25.3.
Variant type: single nucleotide variant.
Coding change: c.5429T>C on transcript NM_004104.5 (MANE Select); coding-DNA position 5429, T replaced by C.
Protein change: p.Val1810Ala; replaces valine 1810 with alanine.
Molecular consequence: missense variant.
Genome position (GRCh38, 1-based): chr17:82,083,338, A>G on the plus strand (T>C on the coding strand, the complement: FASN is on the minus strand). VCF-style: chr17-82083338-A-G. GRCh37 (hg19) VCF-style: chr17-80041214-A-G.
Other names: short protein forms V1810A.
Identifiers: ClinVar variation 1421311 (VCV001421311.8), dbSNP rs746141702, ClinGen allele CA401538101.

ClinVar aggregate classification (germline): Uncertain significance (1 of 4 stars; one submission).

Conditions:
Epileptic encephalopathy. Identifiers: MedGen C0543888, HP:0200134.

Submission:

Labcorp Genetics (formerly Invitae), Labcorp
Classification: Uncertain significance for Epileptic encephalopathy. Last evaluated: 2022-02-24. Review status: criteria provided, single submitter. Criteria: Invitae Variant Classification Sherloc (09022015). Collection method: clinical testing. Allele origin: germline.
Comment: This sequence change replaces valine, which is neutral and non-polar, with alanine, which is neutral and non-polar, at codon 1810 of the FASN protein (p.Val1810Ala). In summary, the available evidence is currently insufficient to determine the role of this variant in disease. Therefore, it has been classified as a Variant of Uncertain Significance. Algorithms developed to predict the effect of missense changes on protein structure and function are either unavailable or do not agree on the potential impact of this missense change (SIFT: "Deleterious"; PolyPhen-2: "Probably Damaging"; Align-GVGD: "Class C0"). This variant has not been reported in the literature in individuals affected with FASN-related conditions. This variant is not present in population databases (gnomAD no frequency).